The following is an entry in ClinVar:

NM_001754.5(RUNX1):c.658T>C (p.Ser220Pro)

Gene: RUNX1 (RUNX family transcription factor 1; minus strand). Cytogenetic location: 21q22.12.
Variant type: single nucleotide variant.
Coding change: c.658T>C on transcript NM_001754.5 (MANE Select); coding-DNA position 658, T replaced by C.
Protein change: p.Ser220Pro; replaces serine 220 with proline.
Molecular consequence: missense variant.
Genome position (GRCh38, 1-based): chr21:34,834,557, A>G on the plus strand (T>C on the coding strand, the complement: RUNX1 is on the minus strand). VCF-style: chr21-34834557-A-G. GRCh37 (hg19) VCF-style: chr21-36206854-A-G.
Other names: NM_001754.5(RUNX1):c.658T>C; p.Ser220Pro; c.658T>C (NM_001754.4); c.577T>C, p.Ser193Pro (NM_001001890.3, NM_001122607.2); short protein forms S220P, S193P.
Identifiers: ClinVar variation 1466432 (VCV001466432.11), dbSNP rs2146076657, ClinGen allele CA410207002.

ClinVar aggregate classification (germline): Uncertain significance. Review status: reviewed by expert panel (3 of 4 stars). 3 submissions from 3 submitters: Uncertain significance (1). 2 of the submissions do not count toward it. Last evaluated 2024-07-25.

Conditions:
Hereditary thrombocytopenia and hematological cancer predisposition syndrome associated with RUNX1. Also called: Familial Platelet Disorder with Propensity to Acute Myelogenous Leukemia; Familial thrombocytopenia with propensity to acute myelogenous leukemia; RUNX1 Familial Platelet Disorder with Associated Myeloid Malignancies; PLATELET DISORDER, ASPIRIN-LIKE. Identifiers: Orphanet 71290, MedGen C1832388, MeSH C563324, MONDO:0100083, OMIM 601399.
Hereditary thrombocytopenia and hematologic cancer predisposition syndrome. Identifiers: Orphanet 71290, MedGen CN281654, MONDO:0011071.
Inborn genetic diseases. Identifiers: MedGen C0950123, MeSH D030342.

Submissions (3):

ClinGen Myeloid Malignancy Variant Curation Expert Panel
Classification: Uncertain significance for Hereditary thrombocytopenia and hematologic cancer predisposition syndrome. Last evaluated: 2024-07-25. Review status: reviewed by expert panel. Criteria: ClinGen MyeloMalig ACMG Specifications v2. Collection method: curation. Allele origin: germline. Inheritance: Autosomal dominant inheritance.
Comment: NM_001754.5(RUNX1):c.658T>C (p.Ser220Pro) is a missense variant located in exon 7. This variant is completely absent from all population databases, including gnomAD v2.1.1 and v3.1.2, which provide coverage of at least 20x for RUNX1 at this genomic position (PM2_supporting). This missense variant has a REVEL score of 0.651, which precludes the application of computational evidence support. Additionally, this variant affects amino acid 220, which falls outside the RHD or residues 89-204. To our knowledge, there is no previous record of this variant, and no other pathogenic or likely pathogenic missense variants affecting the same amino acid residue or resulting in the same residue have been reported. In summary, the clinical significance of this variant is uncertain, and it meets ACMG/AMP criteria as specified by the Myeloid Malignancy Variant Curation Expert Panel for RUNX1: PM2_supporting.

Ambry Genetics
Classification: Uncertain significance for Inborn genetic diseases. Last evaluated: 2026-08-12. Review status: criteria provided, single submitter. Criteria: Ambry Variant Classification Scheme 2023. Collection method: clinical testing. Allele origin: germline. Not counted in ClinVar's aggregate classification.

Labcorp Genetics (formerly Invitae), Labcorp
Classification: Uncertain significance for Hereditary thrombocytopenia and hematological cancer predisposition syndrome associated with RUNX1. Last evaluated: 2022-01-28. Review status: criteria provided, single submitter. Criteria: Invitae Variant Classification Sherloc (09022015). Collection method: clinical testing. Allele origin: germline. Not counted in ClinVar's aggregate classification.
Comment: In summary, the available evidence is currently insufficient to determine the role of this variant in disease. Therefore, it has been classified as a Variant of Uncertain Significance. Algorithms developed to predict the effect of missense changes on protein structure and function are either unavailable or do not agree on the potential impact of this missense change (SIFT: "Tolerated"; PolyPhen-2: "Possibly Damaging"; Align-GVGD: "Class C0"). This variant has not been reported in the literature in individuals affected with RUNX1-related conditions. This variant is not present in population databases (gnomAD no frequency). This sequence change replaces serine, which is neutral and polar, with proline, which is neutral and non-polar, at codon 220 of the RUNX1 protein (p.Ser220Pro).